The following is an entry in ClinVar:

NM_001378964.1(CDON):c.1552+1G>A

Gene: CDON (cell adhesion associated, oncogene regulated; minus strand). Cytogenetic location: 11q24.2.
Variant type: single nucleotide variant.
Coding change: c.1552+1G>A on transcript NM_001378964.1 (MANE Select); the canonical splice donor site of the intron after coding-DNA position 1552, G replaced by A.
Molecular consequence: splice donor variant.
Genome position (GRCh38, 1-based): chr11:126,010,340, C>T on the plus strand (G>A on the coding strand, the complement: CDON is on the minus strand). VCF-style: chr11-126010340-C-T. GRCh37 (hg19) VCF-style: chr11-125880235-C-T.
Other names: c.1552+1G>A (NM_001441166.1, NM_016952.6, NM_001243597.3 and 5 more transcripts).
Identifiers: ClinVar variation 2504819 (VCV002504819.1), dbSNP rs2497187455, ClinGen allele CA383209195.

ClinVar aggregate classification (germline): Uncertain significance (1 of 4 stars; one submission).

Submission:

GeneDx
Classification: Uncertain significance. Last evaluated: 2022-12-07. Review status: criteria provided, single submitter. Criteria: GeneDx Variant Classification Process June 2021. Collection method: clinical testing. Allele origin: germline. Affected: yes.
Comment: Not observed at significant frequency in large population cohorts (gnomAD); Canonical splice site variant in a gene or region of a gene for which loss of function is not a well-established mechanism of disease; Has not been previously published as pathogenic or benign to our knowledge